The following is an entry in ClinVar:

NM_001204.7(BMPR2):c.248-1G>A

Gene: BMPR2 (bone morphogenetic protein receptor type 2; plus strand). Cytogenetic location: 2q33.1.
Variant type: single nucleotide variant.
Coding change: c.248-1G>A on transcript NM_001204.7 (MANE Select); the canonical splice acceptor site of the intron before coding-DNA position 248, G replaced by A.
Molecular consequence: splice acceptor variant.
Genome position (GRCh38, 1-based): chr2:202,467,518, G>A. VCF-style: chr2-202467518-G-A. GRCh37 (hg19) VCF-style: chr2-203332241-G-A.
Identifiers: ClinVar variation 425738 (VCV000425738.2), dbSNP rs1085307194, ClinGen allele CA350399500.

ClinVar aggregate classification (germline): Pathogenic. Review status: criteria provided, single submitter (1 of 4 stars). 2 submissions from 2 submitters: Pathogenic (1). 1 of the submissions does not count toward it. Last evaluated 2024-04-01.

Conditions:
BMPR2-related disorder. Also called: BMPR2-related condition; BMPR2-related disorders.
Pulmonary hypertension, primary, 1 (PPH1). Also called: Pulmonary hypertension, familial primary, 1, with or without HHT. Identifiers: Orphanet 422, MedGen C4552070, MONDO:0024533, OMIM 178600.

Submissions (2):

Daryl Scott Lab, Baylor College of Medicine
Classification: Pathogenic for BMPR2-related disorder. Last evaluated: 2024-04-01. Review status: criteria provided, single submitter. Criteria: ACMG Guidelines, 2015. Collection method: clinical testing. Allele origin: maternal. Affected: yes. Observed: 1 heterozygote.
Comment: PVS1, PM2

Rare Disease Genomics Group, St George's University of London
Classification: Pathogenic for Primary pulmonary hypertension. Review status: no assertion criteria provided. Collection method: literature only. Allele origin: germline. Affected: yes. Not counted in ClinVar's aggregate classification.

Literature cited by the submitters: PubMed 16429395 (cited by Rare Disease Genomics Group, St George's University of London).